The following is an entry in ClinVar:

ClinVar aggregate classification (germline): Uncertain significance (1 of 4 stars; one submission).

Conditions:
Anophthalmia-microphthalmia syndrome. Also called: Anophthalmia - microphthalmia; Anophthalmia/Microphthalmia. Identifiers: Orphanet 98555, MedGen C5680330, MONDO:0020147.

Submission:

Labcorp Genetics (formerly Invitae), Labcorp
Classification: Uncertain significance for Anophthalmia-microphthalmia syndrome. Last evaluated: 2023-07-07. Review status: criteria provided, single submitter. Criteria: Invitae Variant Classification Sherloc (09022015). Collection method: clinical testing. Allele origin: germline.
Comment: This sequence change replaces methionine, which is neutral and non-polar, with isoleucine, which is neutral and non-polar, at codon 208 of the OTX2 protein (p.Met208Ile). This variant is not present in population databases (gnomAD no frequency). This variant has not been reported in the literature in individuals affected with OTX2-related conditions. An algorithm developed to predict the effect of missense changes on protein structure and function (PolyPhen-2) suggests that this variant is likely to be tolerated. In summary, the available evidence is currently insufficient to determine the role of this variant in disease. Therefore, it has been classified as a Variant of Uncertain Significance.

NM_021728.4(OTX2):c.648G>A (p.Met216Ile)

Gene: OTX2 (orthodenticle homeobox 2; minus strand). Cytogenetic location: 14q22.3.
Variant type: single nucleotide variant.
Coding change: c.648G>A on transcript NM_021728.4 (MANE Select); coding-DNA position 648, G replaced by A.
Protein change: p.Met216Ile; replaces methionine 216 with isoleucine.
Molecular consequence: missense variant. On other transcripts: non-coding transcript variant (2).
Genome position (GRCh38, 1-based): chr14:56,801,981, C>T on the plus strand (G>A on the coding strand, the complement: OTX2 is on the minus strand). VCF-style: chr14-56801981-C-T. GRCh37 (hg19) VCF-style: chr14-57268699-C-T.
Other names: c.624G>A, p.Met208Ile (NM_001270523.2, NM_001270524.2, NM_172337.3); c.648G>A, p.Met216Ile (NM_001270525.2); short protein forms M216I, M208I.
Identifiers: ClinVar variation 2737443 (VCV002737443.3), dbSNP rs2503895212, ClinGen allele CA390051414.